The following is an entry in ClinVar:

ClinVar aggregate classification (germline): Likely benign. Review status: criteria provided, multiple submitters, no conflicts (2 of 4 stars). 3 submissions from 3 submitters: Likely benign (3). Last evaluated 2026-04-01.

Conditions:
Cardiovascular phenotype. Identifiers: MedGen CN230736.

Allele frequency attached by ClinVar (database versions not stated): TOPMed below 0.00001; gnomAD exomes 0.00001.
gnomAD v4.1: 3 of 1,613,812 alleles (0.00019%); highest among the groups gnomAD compares: Admixed American, 0.0033%; no homozygotes.

Submissions (3):

CeGaT Center for Human Genetics Tuebingen
Classification: Likely benign. Last evaluated: 2026-04-01. Review status: criteria provided, single submitter. Criteria: CeGaT Center For Human Genetics Tuebingen Variant Classification Criteria Version 2. Collection method: clinical testing. Allele origin: germline. Affected: yes. Observed: 1 variant allele.
Comment: TTN: BP4, BP7

Ambry Genetics
Classification: Likely benign for Cardiovascular phenotype. Last evaluated: 2025-05-15. Review status: criteria provided, single submitter. Criteria: Ambry Variant Classification Scheme 2023. Collection method: clinical testing. Allele origin: germline.

Labcorp Genetics (formerly Invitae), Labcorp
Classification: Likely benign. Last evaluated: 2018-07-05. Review status: criteria provided, single submitter. Criteria: Invitae Variant Classification Sherloc (09022015). Collection method: clinical testing. Allele origin: germline.

NM_001267550.2(TTN):c.98724T>C (p.Asp32908=)

Genes: TTN (titin; minus strand), TTN-AS1 (TTN antisense RNA 1; plus strand). Cytogenetic location: 2q31.2.
Variant type: single nucleotide variant.
Coding change: c.98724T>C on transcript NM_001267550.2 (MANE Select); coding-DNA position 98724, T replaced by C.
Protein change: p.Asp32908=; no amino-acid change (aspartic acid 32908 retained).
Molecular consequence: synonymous variant. On other transcripts: non-coding transcript variant (1).
Genome position (GRCh38, 1-based): chr2:178,539,211, A>G on the plus strand (T>C on the coding strand, the complement: TTN is on the minus strand). VCF-style: chr2-178539211-A-G. GRCh37 (hg19) VCF-style: chr2-179403938-A-G.
Other names: c.93801T>C, p.Asp31267= (NM_001256850.1); c.71529T>C, p.Asp23843= (NM_003319.4); c.91020T>C, p.Asp30340= (NM_133378.4); c.71904T>C, p.Asp23968= (NM_133432.3); c.72105T>C, p.Asp24035= (NM_133437.4).
Identifiers: ClinVar variation 739156 (VCV000739156.6), dbSNP rs373134359, ClinGen allele CA430239679.